The following is an entry in ClinVar:

NM_006231.4(POLE):c.1576A>G (p.Lys526Glu)

Gene: POLE (DNA polymerase epsilon, catalytic subunit; minus strand). Cytogenetic location: 12q24.33.
Variant type: single nucleotide variant.
Coding change: c.1576A>G on transcript NM_006231.4 (MANE Select); coding-DNA position 1576, A replaced by G.
Protein change: p.Lys526Glu; replaces lysine 526 with glutamic acid.
Molecular consequence: missense variant.
Genome position (GRCh38, 1-based): chr12:132,672,737, T>C on the plus strand (A>G on the coding strand, the complement: POLE is on the minus strand). VCF-style: chr12-132672737-T-C. GRCh37 (hg19) VCF-style: chr12-133249323-T-C.
Other names: short protein forms K526E.
Identifiers: ClinVar variation 573720 (VCV000573720.14), dbSNP rs1444399170, ClinGen allele CA387356968.

ClinVar aggregate classification (germline): Uncertain significance. Review status: criteria provided, multiple submitters, no conflicts (2 of 4 stars). 2 submissions from 2 submitters: Uncertain significance (2). Last evaluated 2026-01-18.

Conditions:
Hereditary cancer-predisposing syndrome. Also called: Neoplastic Syndromes, Hereditary; Hereditary Cancer Syndrome; Tumor predisposition; Hereditary neoplastic syndrome. Identifiers: Orphanet 140162, MedGen C0027672, MeSH D009386, MONDO:0015356.

Allele frequency attached by ClinVar (database versions not stated): gnomAD exomes below 0.00001.
gnomAD v4.1: 2 of 1,614,162 alleles (0.00012%); highest among the groups gnomAD compares: Non-Finnish European, 0.00017%; no homozygotes.

Submissions (2):

Labcorp Genetics (formerly Invitae), Labcorp
Classification: Uncertain significance. Last evaluated: 2026-01-18. Review status: criteria provided, single submitter. Criteria: Invitae Variant Classification Sherloc (09022015). Collection method: clinical testing. Allele origin: germline.
Comment: This sequence change replaces lysine, which is basic and polar, with glutamic acid, which is acidic and polar, at codon 526 of the POLE protein (p.Lys526Glu). This variant is present in population databases (no rsID available, gnomAD 0.0009%). This variant has not been reported in the literature in individuals affected with POLE-related conditions. ClinVar contains an entry for this variant (Variation ID: 573720). Invitae Evidence Modeling of protein sequence and biophysical properties (such as structural, functional, and spatial information, amino acid conservation, physicochemical variation, residue mobility, and thermodynamic stability) indicates that this missense variant is not expected to disrupt POLE protein function with a negative predictive value of 80%. In summary, the available evidence is currently insufficient to determine the role of this variant in disease. Therefore, it has been classified as a Variant of Uncertain Significance.

Ambry Genetics
Classification: Uncertain significance for Hereditary cancer-predisposing syndrome. Last evaluated: 2023-11-19. Review status: criteria provided, single submitter. Criteria: Ambry Variant Classification Scheme 2023. Collection method: clinical testing. Allele origin: germline.
Comment: The p.K526E variant (also known as c.1576A>G), located in coding exon 15 of the POLE gene, results from an A to G substitution at nucleotide position 1576. The lysine at codon 526 is replaced by glutamic acid, an amino acid with similar properties. This amino acid position is conserved. In addition, the in silico prediction for this alteration is inconclusive. Since supporting evidence is limited at this time, the clinical significance of this alteration remains unclear.